The following is an entry in ClinVar:

NM_004415.4(DSP):c.8350T>C (p.Ser2784Pro)

Gene: DSP (desmoplakin; plus strand). Cytogenetic location: 6p24.3.
Variant type: single nucleotide variant.
Coding change: c.8350T>C on transcript NM_004415.4 (MANE Select); coding-DNA position 8350, T replaced by C.
Protein change: p.Ser2784Pro; replaces serine 2784 with proline.
Molecular consequence: missense variant.
Genome position (GRCh38, 1-based): chr6:7,585,612, T>C. VCF-style: chr6-7585612-T-C. GRCh37 (hg19) VCF-style: chr6-7585845-T-C.
Other names: c.6553T>C, p.Ser2185Pro (NM_001008844.3); c.7021T>C, p.Ser2341Pro (NM_001319034.2); c.8350T>C (NM_004415.3); short protein forms S2185P, S2341P, S2784P.
Identifiers: ClinVar variation 919801 (VCV000919801.8), dbSNP rs1240301188, ClinGen allele CA362694973.

ClinVar aggregate classification (germline): Uncertain significance. Review status: criteria provided, multiple submitters, no conflicts (2 of 4 stars). 4 submissions from 4 submitters: Uncertain significance (4). Last evaluated 2025-06-10.

Conditions:
Cardiomyopathy (CMYO). Also called: Cardiomyopathies. Identifiers: Orphanet 167848, MedGen C0878544, MONDO:0004994, HP:0001638. Inheritance: Various modes of inheritance.
Arrhythmogenic cardiomyopathy with wooly hair and keratoderma. Also called: PALMOPLANTAR KERATODERMA WITH LEFT VENTRICULAR CARDIOMYOPATHY AND WOOLLY HAIR; Carvajal syndrome; Dilated cardiomyopathy with woolly hair and keratoderma; Arrhythmogenic cardiomyopathy with woolly hair and keratoderma. Identifiers: Orphanet 65282, MedGen C1854063, MONDO:0011581, OMIM 605676.
Arrhythmogenic right ventricular dysplasia 8 (ARVD8). Also called: Arrhythmogenic Right Ventricular Dysplasia/Cardiomyopathy 8; ARRHYTHMOGENIC RIGHT VENTRICULAR DYSPLASIA, FAMILIAL, 8; ARRHYTHMOGENIC RIGHT VENTRICULAR CARDIOMYOPATHY 8. Identifiers: MedGen C1843896, MONDO:0011831, OMIM 607450.
Cardiovascular phenotype. Identifiers: MedGen CN230736.

Allele frequency attached by ClinVar (database versions not stated): gnomAD exomes below 0.00001.
gnomAD v4.1: 2 of 1,614,192 alleles (0.00012%); highest among the groups gnomAD compares: Non-Finnish European, 0.00017%; no homozygotes.

Submissions (4):

Ambry Genetics
Classification: Uncertain significance for Cardiovascular phenotype. Last evaluated: 2025-06-10. Review status: criteria provided, single submitter. Criteria: Ambry Variant Classification Scheme 2023. Collection method: clinical testing. Allele origin: germline.
Comment: The p.S2784P variant (also known as c.8350T>C), located in coding exon 24 of the DSP gene, results from a T to C substitution at nucleotide position 8350. The serine at codon 2784 is replaced by proline, an amino acid with similar properties. This amino acid position is conserved. In addition, this alteration is predicted to be deleterious by in silico analysis. Based on the available evidence, the clinical significance of this variant remains unclear.

Molecular Diagnostic Laboratory for Inherited Cardiovascular Disease, Montreal Heart Institute
Classification: Uncertain significance for Cardiovascular phenotype. Last evaluated: 2025-02-17. Review status: criteria provided, single submitter. Criteria: ACMG Guidelines, 2015. Collection method: clinical testing. Allele origin: germline. Affected: yes.

Labcorp Genetics (formerly Invitae), Labcorp
Classification: Uncertain significance for Arrhythmogenic cardiomyopathy with wooly hair and keratoderma; Arrhythmogenic right ventricular dysplasia 8. Last evaluated: 2024-05-08. Review status: criteria provided, single submitter. Criteria: Invitae Variant Classification Sherloc (09022015). Collection method: clinical testing. Allele origin: germline.
Comment: This sequence change replaces serine, which is neutral and polar, with proline, which is neutral and non-polar, at codon 2784 of the DSP protein (p.Ser2784Pro). This variant is not present in population databases (gnomAD no frequency). This variant has not been reported in the literature in individuals affected with DSP-related conditions. ClinVar contains an entry for this variant (Variation ID: 919801). An algorithm developed to predict the effect of missense changes on protein structure and function (PolyPhen-2) suggests that this variant is likely to be disruptive. In summary, the available evidence is currently insufficient to determine the role of this variant in disease. Therefore, it has been classified as a Variant of Uncertain Significance.

Color Diagnostics, LLC DBA Color Health
Classification: Uncertain significance for Cardiomyopathy. Last evaluated: 2023-12-04. Review status: criteria provided, single submitter. Criteria: ACMG Guidelines, 2015. Collection method: clinical testing. Allele origin: germline.
Comment: This missense variant replaces serine with proline at codon 2784 of the DSP protein. Computational prediction suggests that this variant may have deleterious impact on protein structure and function (internally defined REVEL score threshold >= 0.7, PMID: 27666373). To our knowledge, functional studies have not been reported for this variant. This variant has not been reported in individuals affected with DSP-related disorders in the literature. This variant has not been identified in the general population by the Genome Aggregation Database (gnomAD). The available evidence is insufficient to determine the role of this variant in disease conclusively. Therefore, this variant is classified as a Variant of Uncertain Significance.